The following is an entry in ClinVar:

NM_014991.6(WDFY3):c.343A>T (p.Asn115Tyr)

Gene: WDFY3 (WD repeat and FYVE domain containing 3; minus strand). Cytogenetic location: 4q21.23.
Variant type: single nucleotide variant.
Coding change: c.343A>T on transcript NM_014991.6 (MANE Select); coding-DNA position 343, A replaced by T.
Protein change: p.Asn115Tyr; replaces asparagine 115 with tyrosine.
Molecular consequence: missense variant.
Genome position (GRCh38, 1-based): chr4:84,841,225, T>A on the plus strand (A>T on the coding strand, the complement: WDFY3 is on the minus strand). VCF-style: chr4-84841225-T-A. GRCh37 (hg19) VCF-style: chr4-85762378-T-A.
Other names: short protein forms N115Y.
Identifiers: ClinVar variation 4281856 (VCV004281856.1).

ClinVar aggregate classification (germline): Uncertain significance (1 of 4 stars; one submission).

gnomAD v4.1: 9 of 1,612,920 alleles (0.00056%); highest among the groups gnomAD compares: African/African-American, 0.011%; no homozygotes.

Submission:

GeneDx
Classification: Uncertain significance. Last evaluated: 2025-04-13. Review status: criteria provided, single submitter. Criteria: GeneDx Variant Classification Process June 2021. Collection method: clinical testing. Allele origin: germline. Affected: yes.
Comment: In silico analysis indicates that this missense variant does not alter protein structure/function; Has not been previously published as pathogenic or benign to our knowledge